The following is an entry in ClinVar:

ClinVar aggregate classification (germline): Uncertain significance (1 of 4 stars; one submission).

Conditions:
Early-infantile DEE. Also called: Early infantile epileptic encephalopathy with suppression bursts; Early infantile epileptic encephalopathy; Ohtahara syndrome. Identifiers: Orphanet 1934, MedGen C0393706, MONDO:0800491.

Allele frequency attached by ClinVar (database versions not stated): gnomAD exomes 0.00001.
gnomAD v4.1: 5 of 1,611,994 alleles (0.00031%); highest among the groups gnomAD compares: Non-Finnish European, 0.00042%; no homozygotes.

Submission:

Labcorp Genetics (formerly Invitae), Labcorp
Classification: Uncertain significance for Early-infantile DEE. Last evaluated: 2024-05-10. Review status: criteria provided, single submitter. Criteria: Invitae Variant Classification Sherloc (09022015). Collection method: clinical testing. Allele origin: germline.
Comment: This sequence change replaces glycine, which is neutral and non-polar, with serine, which is neutral and polar, at codon 1382 of the SCN1A protein (p.Gly1382Ser). This variant is not present in population databases (gnomAD no frequency). This variant has not been reported in the literature in individuals affected with SCN1A-related conditions. ClinVar contains an entry for this variant (Variation ID: 1465921). Advanced modeling of protein sequence and biophysical properties (such as structural, functional, and spatial information, amino acid conservation, physicochemical variation, residue mobility, and thermodynamic stability) has been performed at Invitae for this missense variant, however the output from this modeling did not meet the statistical confidence thresholds required to predict the impact of this variant on SCN1A protein function. This variant disrupts the p.Gly1382 amino acid residue in SCN1A. Other variant(s) that disrupt this residue have been determined to be pathogenic (PMID: 30185235, 35813073). This suggests that this residue is clinically significant, and that variants that disrupt this residue are likely to be disease-causing. In summary, the available evidence is currently insufficient to determine the role of this variant in disease. Therefore, it has been classified as a Variant of Uncertain Significance.

Literature cited by the submitters: PubMed 30185235; PubMed 35813073.

NM_001165963.4(SCN1A):c.4144G>A (p.Gly1382Ser)

Genes: SCN1A (sodium voltage-gated channel alpha subunit 1; minus strand), LOC102724058 (uncharacterized LOC102724058; plus strand). Cytogenetic location: 2q24.3.
Variant type: single nucleotide variant.
Coding change: c.4144G>A on transcript NM_001165963.4 (MANE Select); coding-DNA position 4144, G replaced by A.
Protein change: p.Gly1382Ser; replaces glycine 1382 with serine.
Molecular consequence: missense variant. On other transcripts: non-coding transcript variant (1).
Genome position (GRCh38, 1-based): chr2:166,002,612, C>T on the plus strand (G>A on the coding strand, the complement: SCN1A is on the minus strand). VCF-style: chr2-166002612-C-T. GRCh37 (hg19) VCF-style: chr2-166859122-C-T.
Other names: c.4060G>A, p.Gly1354Ser (NM_001165964.3, NM_001353957.2, NM_001353958.2); c.4144G>A, p.Gly1382Ser (NM_001202435.3, NM_001353948.2); c.4111G>A, p.Gly1371Ser (NM_001353949.2, NM_001353950.2, NM_001353951.2 and 2 more transcripts); c.4108G>A, p.Gly1370Ser (NM_001353954.2, NM_001353955.2); c.4057G>A, p.Gly1353Ser (NM_001353960.2); c.1702G>A, p.Gly568Ser (NM_001353961.2); short protein forms G1370S, G1353S, G1354S, G1371S, G1382S, G568S.
Identifiers: ClinVar variation 1465921 (VCV001465921.7), dbSNP rs2105509153, ClinGen allele CA349050294.
Genomic context (GRCh38, chr2:166,002,612, plus strand): 5'-TTTCTATTAGTTTTAGGCAATCAGTATGATTATTCACGTCTTCGATGTCAAACCTGTCAC[C>T]AGTTGTGGTGTTAATACAGTGGTAGAATTTGCCAGCAAACAAATTTACGCCCATGATGCT-3'
Protein context (NP_001159435.1, residues 1372-1392): KFYHCINTTT[Gly1382Ser]DRFDIEDVNN